The following is an entry in ClinVar:

NM_004549.6(NDUFC2):c.357T>C (p.Arg119=)

Genes: NDUFC2 (NADH:ubiquinone oxidoreductase subunit C2; minus strand), NDUFC2-KCTD14 (NDUFC2-KCTD14 readthrough; minus strand). Cytogenetic location: 11q14.1.
Variant type: single nucleotide variant.
Coding change: c.357T>C on transcript NM_004549.6 (MANE Select); coding-DNA position 357, T replaced by C.
Protein change: p.Arg119=; no amino-acid change (arginine 119 retained).
Molecular consequence: synonymous variant. On other transcripts: intron variant (4).
Genome position (GRCh38, 1-based): chr11:78,069,990, A>G on the plus strand (T>C on the coding strand, the complement: NDUFC2 is on the minus strand). VCF-style: chr11-78069990-A-G. GRCh37 (hg19) VCF-style: chr11-77781036-A-G.
Other names: c.288T>C, p.Arg96= (NM_001204055.2); c.166+9589T>C (NM_001203262.2); c.310+3008T>C (NM_001203261.2, NM_001203260.2); c.230-80T>C (NM_001204054.3).
Identifiers: ClinVar variation 4281123 (VCV004281123.7).

ClinVar aggregate classification (germline): Likely benign (1 of 4 stars; one submission).

gnomAD v4.1: 97 of 1,610,656 alleles (0.006%); highest among the groups gnomAD compares: Non-Finnish European, 0.0077%; no homozygotes.

Submission:

CeGaT Center for Human Genetics Tuebingen
Classification: Likely benign. Last evaluated: 2025-09-01. Review status: criteria provided, single submitter. Criteria: CeGaT Center For Human Genetics Tuebingen Variant Classification Criteria Version 2. Collection method: clinical testing. Allele origin: germline. Affected: yes. Observed: 1 variant allele.
Comment: NDUFC2: BP4, BP7